The following is an entry in ClinVar:

ClinVar aggregate classification (germline): Pathogenic (1 of 4 stars; one submission).

Conditions:
Cardiac anomalies - developmental delay - facial dysmorphism syndrome (MRFACD). Also called: MED13L Syndrome; Impaired intellectual development and distinctive facial features with or without cardiac defects. Identifiers: Orphanet 369891, MedGen C5192431, MONDO:0014773, OMIM 616789.

Submission:

Variantyx, Inc.
Classification: Pathogenic for Cardiac anomalies - developmental delay - facial dysmorphism syndrome. Last evaluated: 2025-09-04. Review status: criteria provided, single submitter. Criteria: Variantyx Assertion Criteria 2022. Collection method: clinical testing. Allele origin: de novo. Inheritance: Autosomal dominant inheritance. Affected: yes.
Comment: This is a frameshift variant in the MED13L gene (OMIM: 608771). Pathogenic variants in this gene have been associated with autosomal dominant impaired intellectual development and distinctive facial features with or without cardiac defects. This variant introduces a premature termination codon in exon 6 out of 31 and is expected to result in loss of function, which is a known disease mechanism for MED13L in this disorder (PMID: 25712080, 25758992) (PVS1). This variant is absent from control populations (PM2) and it has not been reported in individuals with MED13L-related disorders in the databases available for review. Based on the current evidence, this variant is classified as pathogenic for autosomal dominant impaired intellectual development and distinctive facial features with or without cardiac defects.

Literature cited by the submitters: PubMed 25712080; PubMed 25758992.

NM_015335.5(MED13L):c.811_814del (p.Val271fs)

Gene: MED13L (mediator complex subunit 13L; minus strand). Cytogenetic location: 12q24.21.
Variant type: Deletion.
Coding change: c.811_814del on transcript NM_015335.5 (MANE Select); coding-DNA positions 811 to 814, 4 bases deleted (GTAA; older notation c.811_814delGTAA).
Protein change: p.Val271fs; shifts the reading frame from valine 271.
Molecular consequence: frameshift variant.
Genome position (GRCh38, 1-based): chr12:116,019,784-116,019,787, TTAC deleted on the plus strand (GTAA on the coding strand, the reverse complement: MED13L is on the minus strand); deleting any 4 consecutive bases within chr12:116,019,784-116,019,789 gives the same sequence; the c. name uses the placement nearest the transcript's 3' end. VCF-style (leftmost placement, unchanged base first): chr12-116019783-ATTAC-A. GRCh37 (hg19) VCF-style: chr12-116457588-ATTAC-A.
Other names: short protein forms V271fs.
Identifiers: ClinVar variation 4850200 (VCV004850200.1).
Genomic context (GRCh38, chr12:116,019,783, plus strand): 5'-AAATTAAGGAAGAGGAAGAAGAATAAAGTTCTTCAGGCAAAATATTTTCTCTTACCAACA[ATTAC>A]TTCAACTGCCACAGGGAAATCATCATCATATCCCAACTCGTCTTCCTCTTTCGATTCTTC-3'